The following is an entry in ClinVar:

NM_024334.3(TMEM43):c.392+254C>T

Gene: TMEM43 (transmembrane protein 43; plus strand). Cytogenetic location: 3p25.1.
Variant type: single nucleotide variant.
Coding change: c.392+254C>T on transcript NM_024334.3 (MANE Select); 254 bases into the intron after coding-DNA position 392, C replaced by T.
Molecular consequence: intron variant.
Genome position (GRCh38, 1-based): chr3:14,131,928, C>T. VCF-style: chr3-14131928-C-T. GRCh37 (hg19) VCF-style: chr3-14173428-C-T.
Identifiers: ClinVar variation 672857 (VCV000672857.1), dbSNP rs144260204, ClinGen allele CA69729518.

ClinVar aggregate classification (germline): Likely benign (1 of 4 stars; one submission).

Allele frequency attached by ClinVar (database versions not stated): 1000 Genomes Project 0.00559; 1000 Genomes Project 30x 0.00640; gnomAD 0.00720 and 0.00777; TOPMed 0.00813.
gnomAD v4.1: 1,083 of 152,322 alleles (0.71%); highest among the groups gnomAD compares: African/African-American, 2.5%; 14 homozygotes.

Submission:

GeneDx
Classification: Likely benign. Last evaluated: 2018-06-14. Review status: criteria provided, single submitter. Criteria: GeneDx Variant Classification (06012015). Collection method: clinical testing. Allele origin: germline. Affected: yes.
Comment: This variant is considered likely benign or benign based on one or more of the following criteria: it is a conservative change, it occurs at a poorly conserved position in the protein, it is predicted to be benign by multiple in silico algorithms, and/or has population frequency not consistent with disease.